The following is an entry in ClinVar:

NM_153460.4(IL17RC):c.1940T>C (p.Phe647Ser)

Gene: IL17RC (interleukin 17 receptor C; plus strand). Cytogenetic location: 3p25.3.
Variant type: single nucleotide variant.
Coding change: c.1940T>C on transcript NM_153460.4 (MANE Select); coding-DNA position 1940, T replaced by C.
Protein change: p.Phe647Ser; replaces phenylalanine 647 with serine.
Molecular consequence: missense variant. On other transcripts: non-coding transcript variant (1).
Genome position (GRCh38, 1-based): chr3:9,933,370, T>C. VCF-style: chr3-9933370-T-C. GRCh37 (hg19) VCF-style: chr3-9975054-T-C.
Other names: c.1901T>C, p.Phe634Ser (NM_001203263.2); c.1850T>C, p.Phe617Ser (NM_001203264.2); c.1844T>C, p.Phe615Ser (NM_001203265.2); c.1862T>C, p.Phe621Ser (NM_001367278.1); c.1781T>C, p.Phe594Ser (NM_001367279.1); c.1856T>C, p.Phe619Ser (NM_001367280.1); c.1895T>C, p.Phe632Ser (NM_032732.6); c.2153T>C, p.Phe718Ser (NM_153461.4); short protein forms F594S, F621S, F718S, F615S, F619S, F632S, F617S, F634S.
Identifiers: ClinVar variation 959863 (VCV000959863.7), dbSNP rs775185662, ClinGen allele CA2247449.

ClinVar aggregate classification (germline): Uncertain significance. Review status: criteria provided, multiple submitters, no conflicts (2 of 4 stars). 2 submissions from 2 submitters: Uncertain significance (2). Last evaluated 2025-09-04.

Conditions:
Candidiasis, familial, 9 (CANDF9). Identifiers: Orphanet 1334, MedGen C4225324, MONDO:0014642, OMIM 616445.

Allele frequency attached by ClinVar (database versions not stated): gnomAD 0.00001 and 0.00002; gnomAD exomes 0.00001 and 0.00002; TOPMed 0.00002; ExAC 0.00003.
gnomAD v4.1: 18 of 1,612,562 alleles (0.0011%); highest among the groups gnomAD compares: Non-Finnish European, 0.0014%; no homozygotes.

Submissions (2):

Labcorp Genetics (formerly Invitae), Labcorp
Classification: Uncertain significance for Candidiasis, familial, 9. Last evaluated: 2025-09-04. Review status: criteria provided, single submitter. Criteria: Invitae Variant Classification Sherloc (09022015). Collection method: clinical testing. Allele origin: germline.
Comment: This sequence change replaces phenylalanine, which is neutral and non-polar, with serine, which is neutral and polar, at codon 718 of the IL17RC protein (p.Phe718Ser). This variant is present in population databases (rs775185662, gnomAD 0.004%). This variant has not been reported in the literature in individuals affected with IL17RC-related conditions. ClinVar contains an entry for this variant (Variation ID: 959863). An algorithm developed to predict the effect of missense changes on protein structure and function (PolyPhen-2) suggests that this variant is likely to be disruptive. In summary, the available evidence is currently insufficient to determine the role of this variant in disease. Therefore, it has been classified as a Variant of Uncertain Significance.

Ambry Genetics
Classification: Uncertain significance. Last evaluated: 2024-08-07. Review status: criteria provided, single submitter. Criteria: Ambry Variant Classification Scheme 2023. Collection method: clinical testing. Allele origin: germline.